The following is an entry in ClinVar:

NM_004320.6(ATP2A1):c.1717C>T (p.Arg573Ter)

Gene: ATP2A1 (ATPase sarcoplasmic/endoplasmic reticulum Ca2+ transporting 1; plus strand). Cytogenetic location: 16p11.2.
Variant type: single nucleotide variant.
Coding change: c.1717C>T on transcript NM_004320.6 (MANE Select); coding-DNA position 1717, C replaced by T.
Protein change: p.Arg573Ter; replaces arginine 573 with a stop codon.
Molecular consequence: nonsense.
Genome position (GRCh38, 1-based): chr16:28,898,404, C>T. VCF-style: chr16-28898404-C-T. GRCh37 (hg19) VCF-style: chr16-28909725-C-T.
Other names: c.1717C>T (NM_173201.4); c.1342C>T, p.Arg448Ter (NM_001286075.2); c.1717C>T, p.Arg573Ter (NM_173201.5); short protein forms R448*, R573*.
Identifiers: ClinVar variation 952018 (VCV000952018.9), dbSNP rs371058445, ClinGen allele CA7987061.

ClinVar aggregate classification (germline): Pathogenic/Likely pathogenic. Review status: criteria provided, multiple submitters, no conflicts (2 of 4 stars). 2 submissions from 2 submitters: Pathogenic (1); Likely pathogenic (1). Last evaluated 2024-09-16.

Conditions:
Brody myopathy. Also called: BRODY DISEASE. Identifiers: Orphanet 53347, MedGen C1832918, MONDO:0010977, OMIM 601003.

Allele frequency attached by ClinVar (database versions not stated): gnomAD exomes below 0.00001 and 0.00001; TOPMed 0.00002; ExAC 0.00003; gnomAD 0.00003; ESP Exome Variant Server 0.00008.
gnomAD v4.1: 13 of 1,614,064 alleles (0.00081%); highest among the groups gnomAD compares: Admixed American, 0.0017%; no homozygotes.

Submissions (2):

Revvity Omics, Revvity
Classification: Likely pathogenic for Brody myopathy. Last evaluated: 2024-09-16. Review status: criteria provided, single submitter. Criteria: ACMG Guidelines, 2015. Collection method: clinical testing. Allele origin: germline.

Labcorp Genetics (formerly Invitae), Labcorp
Classification: Pathogenic for Brody myopathy. Last evaluated: 2022-02-06. Review status: criteria provided, single submitter. Criteria: Invitae Variant Classification Sherloc (09022015). Collection method: clinical testing. Allele origin: germline.
Comment: This sequence change creates a premature translational stop signal (p.Arg573*) in the ATP2A1 gene. It is expected to result in an absent or disrupted protein product. Loss-of-function variants in ATP2A1 are known to be pathogenic (PMID: 8841193, 10914677, 23911890). This variant is present in population databases (rs371058445, gnomAD 0.003%). This variant has not been reported in the literature in individuals affected with ATP2A1-related conditions. ClinVar contains an entry for this variant (Variation ID: 952018). Algorithms developed to predict the effect of sequence changes on RNA splicing suggest that this variant may create or strengthen a splice site. For these reasons, this variant has been classified as Pathogenic.

Literature cited by the submitters: PubMed 8841193 (cited by Labcorp Genetics (formerly Invitae), Labcorp); PubMed 10914677 (cited by Labcorp Genetics (formerly Invitae), Labcorp); PubMed 23911890 (cited by Labcorp Genetics (formerly Invitae), Labcorp).